The following is an entry in ClinVar:

NM_001605.3(AARS1):c.2447G>A (p.Arg816Gln)

Gene: AARS1 (alanyl-tRNA synthetase 1; minus strand). Cytogenetic location: 16q22.1.
Variant type: single nucleotide variant.
Coding change: c.2447G>A on transcript NM_001605.3 (MANE Select); coding-DNA position 2447, G replaced by A.
Protein change: p.Arg816Gln; replaces arginine 816 with glutamine.
Molecular consequence: missense variant.
Genome position (GRCh38, 1-based): chr16:70,253,992, C>T on the plus strand (G>A on the coding strand, the complement: AARS1 is on the minus strand). VCF-style: chr16-70253992-C-T. GRCh37 (hg19) VCF-style: chr16-70287895-C-T.
Other names: short protein forms R816Q.
Identifiers: ClinVar variation 3902405 (VCV003902405.1).

ClinVar aggregate classification (germline): Uncertain significance (1 of 4 stars; one submission).

Submission:

Women's Health and Genetics/Laboratory Corporation of America, LabCorp
Classification: Uncertain significance. Last evaluated: 2025-05-08. Review status: criteria provided, single submitter. Criteria: LabCorp Variant Classification Summary - May 2015. Collection method: clinical testing. Allele origin: germline.
Comment: Variant summary: AARS1 c.2447G>A (p.Arg816Gln) results in a conservative amino acid change in the encoded protein sequence. Algorithms developed to predict the effect of missense changes on protein structure and function are either unavailable or do not agree on the potential impact of this missense change. The variant was absent in 251450 control chromosomes. The available data on variant occurrences in the general population are insufficient to allow any conclusion about variant significance. To our knowledge, no occurrence of c.2447G>A in individuals affected with Developmental and epileptic encephalopathy, 29 and no experimental evidence demonstrating its impact on protein function have been reported. No submitters have cited clinical-significance assessments for this variant to ClinVar. Based on the evidence outlined above, the variant was classified as uncertain significance.